The following is an entry in ClinVar:

ClinVar aggregate classification (germline): Conflicting classifications of pathogenicity. Review status: criteria provided, conflicting classifications (1 of 4 stars). 9 submissions from 9 submitters: Pathogenic (1); Likely pathogenic (5); Uncertain significance (2). 1 of the submissions does not count toward it. Last evaluated 2026-01-02.

Conditions:
CFTR-related disorder (CFTR-RD). Also called: CFTR-related condition; CFTR-related disorders. Identifiers: MedGen C5924204, MONDO:7770004.
Cystic fibrosis (CF). Also called: MUCOVISCIDOSIS. Identifiers: Orphanet 586, MedGen C0010674, MONDO:0009061, OMIM 219700. Disease mechanism: loss of function.
Bronchiectasis with or without elevated sweat chloride 1 (BESC1). Also called: Cystic Fibrosis-Like Syndrome. Identifiers: Orphanet 60033, MedGen C2749757, MONDO:0008887, OMIM 211400.

Allele frequency attached by ClinVar (database versions not stated): gnomAD 0.00001; ExAC 0.00002; gnomAD exomes 0.00002; TOPMed 0.00002; ESP Exome Variant Server 0.00015.
gnomAD v4.1: 38 of 1,613,836 alleles (0.0024%); highest among the groups gnomAD compares: Non-Finnish European, 0.0029%; no homozygotes.

Submissions (9):

Natera, Inc.
Classification: Likely pathogenic for CFTR-related disorders. Last evaluated: 2026-01-02. Review status: criteria provided, single submitter. Criteria: Natera Variant Classification Schema (03/2026). Collection method: clinical testing. Allele origin: germline.
Comment: The c.2723C>A variant in CFTR is a missense variant predicted to cause substitution of threonine to asparagine at amino acid 908. This variant is rare in the general population with a frequency below the threshold expected for the associated phenotype(s). This variant has been observed in one or more individuals affected with the associated recessive disease, as either homozygous or compound heterozygous with a second variant (PMID: 16596947). Functional studies show that this variant may disrupt protein function (PMID: 38388235). Computational prediction algorithms indicate this variant is likely to affect gene or protein function. Given the available evidence, this variant is classified as Likely Pathogenic.

Ambry Genetics
Classification: Likely pathogenic for Cystic fibrosis. Last evaluated: 2025-11-07. Review status: criteria provided, single submitter. Criteria: Ambry Variant Classification Scheme 2023. Collection method: clinical testing. Allele origin: germline.
Comment: The p.T908N variant (also known as c.2723C>A), located in coding exon 17 of the CFTR gene, results from a C to A substitution at nucleotide position 2723. The threonine at codon 908 is replaced by asparagine, an amino acid with similar properties. In one study, this variant was observed to create a novel consensus site for N-glycosylation, resulting in altered channel gating and reduced chloride conductance (H&auml;mmerle MM, et al. Glycoconj. J. 2000 Nov; 17(11):807-13). This variant has been identified in the homozygous state and/or in conjunction with other CFTR variant(s) in individual(s) with features consistent with cystic fibrosis (Bienvenu T, et al. Hum. Biol. 2005 Oct; 77(5):705-14). This amino acid position is highly conserved in available vertebrate species. In addition, the in silico prediction for this alteration is inconclusive. This variant is considered to be rare based on population cohorts in the Genome Aggregation Database (gnomAD). Based on the majority of available evidence to date, this variant is likely to be pathogenic.

Women's Health and Genetics/Laboratory Corporation of America, LabCorp
Classification: Likely pathogenic for Cystic fibrosis. Last evaluated: 2025-09-15. Review status: criteria provided, single submitter. Criteria: LabCorp Variant Classification Summary - May 2015. Collection method: clinical testing. Allele origin: germline.
Comment: Variant summary: CFTR c.2723C>A (p.Thr908Asn) results in a non-conservative amino acid change located in the transmembrane domain (IPR011527) of the encoded protein sequence. Algorithms developed to predict the effect of missense changes on protein structure and function all suggest that this variant is likely to be disruptive. The variant allele was found at a frequency of 1.6e-05 in 251346 control chromosomes. c.2723C>A has been reported in the literature in individuals affected with Cystic Fibrosis (e.g., Bienvenu_2005, Salinas_2023) as well as individual(s) affected with congenital bilateral absence of vas deferens (CBAVD; e.g., Claustres_2000, Hammerle_2000). These data indicate that the variant may be associated with disease. Several publications report experimental evidence evaluating an impact on protein function, finding that the variant introduces a glycosylation site (gain-of-glycosylation mutation) and results in reduction in chloride channel activity relative to the wild type (e.g., Hammerle_2000, Hammerle_2001, Carveth_2002, Bihler_2024). The following publications have been ascertained in the context of this evaluation (PMID: 16596947, 12186867, 10923036, 11443282, 11278813, 17003641, 36409994, 38388235). ClinVar contains an entry for this variant (Variation ID: 53548). Based on the evidence outlined above, the variant was classified as likely pathogenic.

PreventionGenetics, part of Exact Sciences
Classification: Likely pathogenic for CFTR-related condition. Last evaluated: 2025-07-21. Review status: criteria provided, single submitter. Criteria: ACMG Guidelines, 2015. Collection method: clinical testing. Allele origin: germline.
Comment: The CFTR c.2723C>A variant is predicted to result in the amino acid substitution p.Thr908Asn. This variant has been reported in two individuals with cystic fibrosis; in one individual a second pathogenic variant in CFTR was not specified and in the second individual a second pathogenic variant in CFTR was detected but phase was not specified (Hämmerle. 2000. PubMed ID: 11443282; Bienvenu et al. 2005. PubMed ID: 16596947). This variant has also been reported in the heterozygous state in multiple individuals with congenital bilateral absence of the vas deferens (CBAVD) and in one individual with pancreatitis (Claustres et al. 2000. PubMed ID: 10923036; Keiles et al. 2006. PubMed ID: 17003641; CFTR-France database). In vitro experimental studies show this variant impacts protein function and has a quantifiable response to treatment with a CFTR modulator combination (Hammerle et al. 2000. PubMed ID: 11443282; Hämmerle et al. 2001. PubMed ID: 11278813; Table S1, Bihler et al. 2024. PubMed ID: 38388235). This variant is reported in 0.0040% of alleles in individuals of African descent in gnomAD. Taken together, this variant is interpreted as likely pathogenic.

Baylor Genetics
Classification: Likely pathogenic for Bronchiectasis with or without elevated sweat chloride 1. Last evaluated: 2023-12-01. Review status: criteria provided, single submitter. Criteria: ACMG Guidelines, 2015. Collection method: clinical testing. Allele origin: unknown.

Institute of Human Genetics, University of Leipzig Medical Center
Classification: Uncertain significance for Cystic fibrosis. Last evaluated: 2022-09-05. Review status: criteria provided, single submitter. Criteria: ACMG Guidelines, 2015. Collection method: curation. Allele origin: unknown. Affected: yes. Observed: 1 variant allele.
Comment: The variant was classified in the context of a project re-classifying variants in the German Cystic Fibrosis Registry (Muko.e.V.). Criteria applied: PS3_SUP, PM2_SUP, PM3, PP4

Labcorp Genetics (formerly Invitae), Labcorp
Classification: Uncertain significance for Cystic fibrosis. Last evaluated: 2022-06-26. Review status: criteria provided, single submitter. Criteria: Invitae Variant Classification Sherloc (09022015). Collection method: clinical testing. Allele origin: germline.
Comment: This sequence change replaces threonine, which is neutral and polar, with asparagine, which is neutral and polar, at codon 908 of the CFTR protein (p.Thr908Asn). This variant is present in population databases (rs369521395, gnomAD 0.004%). This missense change has been observed in individual(s) with congenital bilateral absence of the vas deferens (CBAVD) and cystic fibrosis and pancreatitis (PMID: 10923036, 16596947, 17003641). ClinVar contains an entry for this variant (Variation ID: 53548). Algorithms developed to predict the effect of missense changes on protein structure and function are either unavailable or do not agree on the potential impact of this missense change (SIFT: "Deleterious"; PolyPhen-2: "Benign"; Align-GVGD: "Class C0"). Experimental studies have shown that this missense change affects CFTR function (PMID: 11278813, 11443282, 12186867). In summary, the available evidence is currently insufficient to determine the role of this variant in disease. Therefore, it has been classified as a Variant of Uncertain Significance.

CFTR-France
Classification: Pathogenic for CFTR-related disorders. Last evaluated: 2018-01-29. Review status: criteria provided, single submitter. Criteria: Claustres M et al. (Hum Mutat 2017). Collection method: curation. Allele origin: germline. Affected: yes.

ClinVar Staff, National Center for Biotechnology Information (NCBI)
No classification provided. Condition: CFTR-related disorders. Review status: no classification provided. Collection method: literature only. Allele origin: germline. Affected: yes. Not counted in ClinVar's aggregate classification.

Literature cited by the submitters: PubMed 16596947 (cited by 5 submitters); PubMed 38388235 (cited by Natera, Inc. and Women's Health and Genetics/Laboratory Corporation of America, LabCorp); PubMed 11443282 (cited by 3 submitters); PubMed 19307599 (cited by Ambry Genetics); PubMed 25087612 (cited by Ambry Genetics); PubMed 10923036 (cited by Women's Health and Genetics/Laboratory Corporation of America, LabCorp and Labcorp Genetics (formerly Invitae), Labcorp); PubMed 17003641 (cited by Women's Health and Genetics/Laboratory Corporation of America, LabCorp and Labcorp Genetics (formerly Invitae), Labcorp); PubMed 11278813 (cited by Women's Health and Genetics/Laboratory Corporation of America, LabCorp and Labcorp Genetics (formerly Invitae), Labcorp); PubMed 12186867 (cited by Women's Health and Genetics/Laboratory Corporation of America, LabCorp and Labcorp Genetics (formerly Invitae), Labcorp); PubMed 36409994 (cited by Women's Health and Genetics/Laboratory Corporation of America, LabCorp); PubMed 20059485 (cited by ClinVar Staff, National Center for Biotechnology Information (NCBI)).

NM_000492.4(CFTR):c.2723C>A (p.Thr908Asn)

Gene: CFTR (CF transmembrane conductance regulator; plus strand). Cytogenetic location: 7q31.2.
Variant type: single nucleotide variant.
Coding change: c.2723C>A on transcript NM_000492.4 (MANE Select); coding-DNA position 2723, C replaced by A.
Protein change: p.Thr908Asn; replaces threonine 908 with asparagine.
Molecular consequence: missense variant.
Genome position (GRCh38, 1-based): chr7:117,603,597, C>A. VCF-style: chr7-117603597-C-A. GRCh37 (hg19) VCF-style: chr7-117243651-C-A.
Other names: short protein forms T908N.
Identifiers: ClinVar variation 53548 (VCV000053548.17), dbSNP rs369521395, ClinGen allele CA326898.